The following is an entry in ClinVar:

ClinVar aggregate classification (germline): Uncertain significance (1 of 4 stars; one submission).

Conditions:
Hypertrophic cardiomyopathy 14. Identifiers: MedGen C2750467, MONDO:0013197, OMIM 613251.

Submission:

Labcorp Genetics (formerly Invitae), Labcorp
Classification: Uncertain significance for Hypertrophic cardiomyopathy 14. Last evaluated: 2022-08-16. Review status: criteria provided, single submitter. Criteria: Invitae Variant Classification Sherloc (09022015). Collection method: clinical testing. Allele origin: germline.
Comment: In summary, the available evidence is currently insufficient to determine the role of this variant in disease. Therefore, it has been classified as a Variant of Uncertain Significance. Variants that disrupt the consensus splice site are a relatively common cause of aberrant splicing (PMID: 17576681, 9536098). Algorithms developed to predict the effect of sequence changes on RNA splicing suggest that this variant is not likely to affect RNA splicing. ClinVar contains an entry for this variant (Variation ID: 962384). This variant has not been reported in the literature in individuals affected with MYH6-related conditions. This variant is not present in population databases (gnomAD no frequency). This sequence change falls in intron 35 of the MYH6 gene. It does not directly change the encoded amino acid sequence of the MYH6 protein. It affects a nucleotide within the consensus splice site.

Literature cited by the submitters: PubMed 17576681; PubMed 9536098.

NM_002471.4(MYH6):c.5289+5G>A

Gene: MYH6 (myosin heavy chain 6; minus strand). Cytogenetic location: 14q11.2.
Variant type: single nucleotide variant.
Coding change: c.5289+5G>A on transcript NM_002471.4 (MANE Select); 5 bases into the intron after coding-DNA position 5289, G replaced by A.
Molecular consequence: intron variant.
Genome position (GRCh38, 1-based): chr14:23,384,911, C>T on the plus strand (G>A on the coding strand, the complement: MYH6 is on the minus strand). VCF-style: chr14-23384911-C-T. GRCh37 (hg19) VCF-style: chr14-23854120-C-T.
Identifiers: ClinVar variation 962384 (VCV000962384.7), dbSNP rs1890974360, ClinGen allele CA1139663408.